The following is an entry in ClinVar:

NM_003628.6(PKP4):c.2930C>A (p.Ser977Tyr)

Genes: PKP4 (plakophilin 4; plus strand), PKP4-AS1 (PKP4 antisense RNA 1; minus strand). Cytogenetic location: 2q24.1.
Variant type: single nucleotide variant.
Coding change: c.2930C>A on transcript NM_003628.6 (MANE Select); coding-DNA position 2930, C replaced by A.
Protein change: p.Ser977Tyr; replaces serine 977 with tyrosine.
Molecular consequence: missense variant.
Genome position (GRCh38, 1-based): chr2:158,673,682, C>A. VCF-style: chr2-158673682-C-A. GRCh37 (hg19) VCF-style: chr2-159530194-C-A.
Other names: c.2930C>A, p.Ser977Tyr (NM_001005476.4, NM_001377218.1, NM_001377225.1); c.2927C>A, p.Ser976Tyr (NM_001304969.3, NM_001377219.1, NM_001377220.1 and 2 more transcripts); c.1901C>A, p.Ser634Tyr (NM_001304970.3); c.2924C>A, p.Ser975Tyr (NM_001377222.1, NM_001377223.1); c.2921C>A, p.Ser974Tyr (NM_001377224.1); short protein forms S634Y, S974Y, S975Y, S976Y, S977Y.
Identifiers: ClinVar variation 3223518 (VCV003223518.1), dbSNP rs780085676, ClinGen allele CA1921155.
Genomic context (GRCh38, chr2:158,673,682, plus strand): 5'-AGTGGGGCTGAGGCTGTGTCACCCACATTCATTAATATCCTTGCTCTCTACCTAGATCAT[C>A]TCTGAAAGTGGTGAAGGCAGCAGCCCAGGTCTTGAATACATTATGGCAATATCGGGACCT-3'
Protein context (NP_003619.2, residues 967-987): NITKGRGDRS[Ser977Tyr]LKVVKAAAQV

ClinVar aggregate classification (germline): Uncertain significance (1 of 4 stars; one submission).

Allele frequency attached by ClinVar (database versions not stated): gnomAD 0.00001; gnomAD exomes 0.00002; TOPMed 0.00002; ExAC 0.00004.
gnomAD v4.1: 25 of 1,609,218 alleles (0.0016%); highest among the groups gnomAD compares: East Asian, 0.049%; no homozygotes.

Submission:

Ambry Genetics
Classification: Uncertain significance. Last evaluated: 2024-02-06. Review status: criteria provided, single submitter. Criteria: Ambry Variant Classification Scheme 2023. Collection method: clinical testing. Allele origin: germline.
Comment: The p.S977Y variant (also known as c.2930C>A), located in coding exon 17 of the PKP4 gene, results from a C to A substitution at nucleotide position 2930. The serine at codon 977 is replaced by tyrosine, an amino acid with dissimilar properties. This amino acid position is conserved. In addition, the in silico prediction for this alteration is inconclusive. Based on the available evidence, the clinical significance of this alteration remains unclear.